The following is an entry in ClinVar:

ClinVar aggregate classification (germline): Pathogenic (1 of 4 stars; one submission).

Conditions:
Hereditary cancer-predisposing syndrome. Also called: Neoplastic Syndromes, Hereditary; Tumor predisposition; Hereditary Cancer Syndrome; Hereditary neoplastic syndrome. Identifiers: Orphanet 140162, MedGen C0027672, MeSH D009386, MONDO:0015356.

Submission:

Ambry Genetics
Classification: Pathogenic for Hereditary cancer-predisposing syndrome. Last evaluated: 2024-09-13. Review status: criteria provided, single submitter. Criteria: Ambry Variant Classification Scheme 2023. Collection method: clinical testing. Allele origin: germline.
Comment: The c.495_496dupAC pathogenic mutation, located in coding exon 5 of the PMS2 gene, results from a duplication of AC at nucleotide position 495, causing a translational frameshift with a predicted alternate stop codon (p.L166Hfs*36). This alteration is expected to result in loss of function by premature protein truncation or nonsense-mediated mRNA decay. As such, this alteration is interpreted as a disease-causing mutation.

NM_000535.7(PMS2):c.495_496dup (p.Leu166fs)

Gene: PMS2 (PMS1 homolog 2, mismatch repair system component; minus strand). Cytogenetic location: 7p22.1.
Variant type: Microsatellite.
Coding change: c.495_496dup on transcript NM_000535.7 (MANE Select); coding-DNA positions 495 to 496, 2 bases duplicated (AC; older notation c.495_496dupAC).
Protein change: p.Leu166fs; shifts the reading frame from leucine 166.
Molecular consequence: frameshift variant. On other transcripts: 5 prime UTR variant (2), non-coding transcript variant (1), intron variant (1).
Genome position (GRCh38, 1-based): chr7:6,002,494-6,002,495, GT duplicated on the plus strand (AC on the coding strand, the reverse complement: PMS2 is on the minus strand); duplicating any 2 consecutive bases within chr7:6,002,494-6,002,498 gives the same sequence; the c. name uses the placement nearest the transcript's 3' end. VCF-style (leftmost placement, unchanged base first): chr7-6002493-A-AGT. GRCh37 (hg19) VCF-style: chr7-6042124-A-AGT.
Other names: c.492_493CA[3], p.Leu166Hisfs (NM_000535.5); c.90_91dup, p.Leu31fs (NM_001322003.2, NM_001322004.2, NM_001322005.2 and 24 more transcripts); c.495_496dup, p.Leu166fs (NM_001322006.2, NM_001322014.2, NM_001406869.1 and 8 more transcripts); c.177_178dup, p.Leu60fs (NM_001322007.2, NM_001322008.2, NM_001406876.1 and 4 more transcripts); c.-392AC[3] (NM_001322011.2, NM_001322012.2); c.186_187dup, p.Leu63fs (NM_001322015.2, NM_001406875.1, NM_001406877.1 and 6 more transcripts); c.681_682dup, p.Leu228fs (NM_001406866.1); c.519_520dup, p.Leu174fs (NM_001406868.1); and 2 more; short protein forms L228fs, L63fs, L174fs, L60fs, L166fs, L31fs.
Identifiers: ClinVar variation 3421498 (VCV003421498.1).